The following is an entry in ClinVar:

NM_000152.5(GAA):c.1437+8G>A

Gene: GAA (alpha glucosidase; plus strand). Cytogenetic location: 17q25.3.
Variant type: single nucleotide variant.
Coding change: c.1437+8G>A on transcript NM_000152.5 (MANE Select); 8 bases into the intron after coding-DNA position 1437, G replaced by A.
Molecular consequence: intron variant.
Genome position (GRCh38, 1-based): chr17:80,110,063, G>A. VCF-style: chr17-80110063-G-A. GRCh37 (hg19) VCF-style: chr17-78083862-G-A.
Other names: c.1437+8G>A (LRG_673t1, NM_001079803.3, NM_001079804.3 and 1 more transcripts).
Identifiers: ClinVar variation 456378 (VCV000456378.17), dbSNP rs779194427, ClinGen allele CA8815320.
Genomic context (GRCh38, chr17:80,110,063, plus strand): 5'-TGCGGAGGGGGGTTTTCATCACCAACGAGACCGGCCAGCCGCTGATTGGGAAGGTAGGGC[G>A]AGGGTCCAGGGGACGGGGGTTAGAAAGCAGAGGCCTCCAGCCAGGGGGAGCCGGCAGCTG-3'

ClinVar aggregate classification (germline): Likely benign. Review status: criteria provided, multiple submitters, no conflicts (2 of 4 stars). 4 submissions from 4 submitters: Likely benign (3). 1 of the submissions does not count toward it. Last evaluated 2026-01-05.

Conditions:
GAA-related disorder. Also called: GAA-related condition.
Glycogen storage disease, type II (IOPD). Also called: POMPE DISEASE, INFANTILE-ONSET; GLYCOGEN STORAGE DISEASE II, INFANTILE-ONSET; ACID ALPHA-GLUCOSIDASE DEFICIENCY, INFANTILE-ONSET; GAA DEFICIENCY, INFANTILE-ONSET; ACID MALTASE DEFICIENCY, INFANTILE-ONSET; Glucosidase acid-1,4-alpha deficiency. Identifiers: Orphanet 365, MedGen C0017921, MONDO:0009290, OMIM 232300.

Allele frequency attached by ClinVar (database versions not stated): gnomAD 0.00001 and 0.00003; TOPMed 0.00003; gnomAD exomes 0.00006 and 0.00012; ExAC 0.00010.
gnomAD v4.1: 91 of 1,609,326 alleles (0.0057%); highest among the groups gnomAD compares: Middle Eastern, 0.066%; 1 homozygote.

Submissions (4):

Labcorp Genetics (formerly Invitae), Labcorp
Classification: Likely benign for Glycogen storage disease, type II. Last evaluated: 2026-01-05. Review status: criteria provided, single submitter. Criteria: Invitae Variant Classification Sherloc (09022015). Collection method: clinical testing. Allele origin: germline.

Women's Health and Genetics/Laboratory Corporation of America, LabCorp
Classification: Likely benign. Last evaluated: 2025-04-23. Review status: criteria provided, single submitter. Criteria: LabCorp Variant Classification Summary - May 2015. Collection method: clinical testing. Allele origin: germline.

Blueprint Genetics
Classification: Likely benign. Last evaluated: 2024-10-18. Review status: criteria provided, single submitter. Criteria: ACMG Guidelines, 2015. Collection method: clinical testing. Allele origin: germline.

PreventionGenetics, part of Exact Sciences
Classification: Likely benign for GAA-related condition. Last evaluated: 2020-08-13. Review status: no assertion criteria provided. Collection method: clinical testing. Allele origin: germline. Not counted in ClinVar's aggregate classification.
Comment: This variant is classified as likely benign based on ACMG/AMP sequence variant interpretation guidelines (Richards et al. 2015 PMID: 25741868, with internal and published modifications).